The following is an entry in ClinVar:

ClinVar aggregate classification (germline): Uncertain significance. Review status: criteria provided, multiple submitters, no conflicts (2 of 4 stars). 2 submissions from 2 submitters: Uncertain significance (2). Last evaluated 2021-12-14.

Conditions:
Ehlers-Danlos syndrome, dermatosparaxis type. Also called: Ehlers-Danlos syndrome, type VII, autosomal recessive; Dermatosparaxis; EDS VIIC. Identifiers: Orphanet 1901, MedGen C2700425, MONDO:0009161, OMIM 225410.

Allele frequency attached by ClinVar (database versions not stated): gnomAD below 0.00001 and 0.00001.
gnomAD v4.1: 46 of 1,607,722 alleles (0.0029%); highest among the groups gnomAD compares: Non-Finnish European, 0.0036%; no homozygotes.

Submissions (2):

Fulgent Genetics
Classification: Uncertain significance for Ehlers-Danlos syndrome, dermatosparaxis type. Last evaluated: 2021-12-14. Review status: criteria provided, single submitter. Criteria: ACMG Guidelines, 2015. Collection method: clinical testing. Allele origin: unknown.

Labcorp Genetics (formerly Invitae), Labcorp
Classification: Uncertain significance for Ehlers-Danlos syndrome, dermatosparaxis type. Last evaluated: 2021-08-31. Review status: criteria provided, single submitter. Criteria: Invitae Variant Classification Sherloc (09022015). Collection method: clinical testing. Allele origin: germline.
Comment: This sequence change replaces arginine with histidine at codon 967 of the ADAMTS2 protein (p.Arg967His). The arginine residue is highly conserved and there is a small physicochemical difference between arginine and histidine. This variant is not present in population databases (ExAC no frequency). This variant has not been reported in the literature in individuals affected with ADAMTS2-related conditions. Algorithms developed to predict the effect of missense changes on protein structure and function (SIFT, PolyPhen-2, Align-GVGD) all suggest that this variant is likely to be disruptive. In summary, the available evidence is currently insufficient to determine the role of this variant in disease. Therefore, it has been classified as a Variant of Uncertain Significance.

NM_014244.5(ADAMTS2):c.2900G>A (p.Arg967His)

Gene: ADAMTS2 (ADAM metallopeptidase with thrombospondin type 1 motif 2; minus strand). Cytogenetic location: 5q35.3.
Variant type: single nucleotide variant.
Coding change: c.2900G>A on transcript NM_014244.5 (MANE Select); coding-DNA position 2900, G replaced by A.
Protein change: p.Arg967His; replaces arginine 967 with histidine.
Molecular consequence: missense variant.
Genome position (GRCh38, 1-based): chr5:179,125,031, C>T on the plus strand (G>A on the coding strand, the complement: ADAMTS2 is on the minus strand). VCF-style: chr5-179125031-C-T. GRCh37 (hg19) VCF-style: chr5-178552032-C-T.
Other names: short protein forms R967H.
Identifiers: ClinVar variation 970371 (VCV000970371.4), dbSNP rs775213299, ClinGen allele CA133027303.
Genomic context (GRCh38, chr5:179,125,031, plus strand): 5'-ACCTGGGACCAGGGCCCGGCTCGCCAACGACCAGGGCAGAGCTCGCGGCTGCAGGCCCGG[C>T]GGCTCTCGGGCCGGGCGTCATTGCAGTGCTTGGCGTGCACGGAGCGGGTGGTGTTGTCGT-3'
Protein context (NP_055059.2, residues 957-977): KHCNDARPES[Arg967His]RACSRELCPG